The following is an entry in ClinVar:

NM_000742.4(CHRNA2):c.*1384C>T

Gene: CHRNA2 (cholinergic receptor nicotinic alpha 2 subunit; minus strand). Cytogenetic location: 8p21.2.
Variant type: single nucleotide variant.
Coding change: c.*1384C>T on transcript NM_000742.4 (MANE Select); 1384 bases downstream of the stop codon, C replaced by T.
Molecular consequence: 3 prime UTR variant.
Genome position (GRCh38, 1-based): chr8:27,460,245, G>A on the plus strand (C>T on the coding strand, the complement: CHRNA2 is on the minus strand). VCF-style: chr8-27460245-G-A. GRCh37 (hg19) VCF-style: chr8-27317762-G-A.
Other names: c.*1384C>T (NM_001347707.2, NM_001347708.2, NM_001282455.2 and 2 more transcripts).
Identifiers: ClinVar variation 362671 (VCV000362671.6), dbSNP rs2280376, ClinGen allele CA10630796.

ClinVar aggregate classification (germline): Benign. Review status: criteria provided, multiple submitters, no conflicts (2 of 4 stars). 2 submissions from 2 submitters: Benign (2). Last evaluated 2018-01-13.

Conditions:
Autosomal dominant nocturnal frontal lobe epilepsy 4. Also called: EPILEPSY, FAMILIAL, WITH NOCTURNAL WANDERING AND ICTAL FEAR; CHRNA2-Related Nocturnal Frontal Lobe Epilepsy, Autosomal Dominant. Identifiers: Orphanet 98784, MedGen C1835905, MONDO:0012474, OMIM 610353.

Allele frequency attached by ClinVar (database versions not stated): 1000 Genomes Project 0.22185; 1000 Genomes Project 30x 0.22189; TOPMed 0.23096; gnomAD 0.23196 and 0.23499; gnomAD exomes 0.26250.
gnomAD v4.1: 35,721 of 152,108 alleles (23%); highest among the groups gnomAD compares: Middle Eastern, 35%; 4,643 homozygotes.

Submissions (2):

Illumina Laboratory Services, Illumina
Classification: Benign for Autosomal dominant nocturnal frontal lobe epilepsy 4. Last evaluated: 2018-01-13. Review status: criteria provided, single submitter. Criteria: ICSL Variant Classification Criteria 13 December 2019. Collection method: clinical testing. Allele origin: germline.
Comment: This variant was observed in the ICSL laboratory as part of a predisposition screen in an ostensibly healthy population. It had not been previously curated by ICSL or reported in the Human Gene Mutation Database (HGMD: prior to June 1st, 2018), and was therefore a candidate for classification through an automated scoring system. Utilizing variant allele frequency, disease prevalence and penetrance estimates, and inheritance mode, an automated score was calculated to assess if this variant is too frequent to cause the disease. Based on the score and internal cut-off values, a variant classified as benign is not then subjected to further curation. The score for this variant resulted in a classification of benign for this disease.

Breakthrough Genomics
Classification: Benign. Review status: criteria provided, single submitter. Criteria: ACMG Guidelines, 2015. Collection method: not provided. Allele origin: germline. Inheritance: Autosomal dominant inheritance. Affected: yes.